The following is an entry in ClinVar:

NM_004551.3(NDUFS3):c.628-7C>T

Gene: NDUFS3 (NADH:ubiquinone oxidoreductase core subunit S3; plus strand). Cytogenetic location: 11p11.2.
Variant type: single nucleotide variant.
Coding change: c.628-7C>T on transcript NM_004551.3 (MANE Select); 7 bases into the intron before coding-DNA position 628, C replaced by T.
Molecular consequence: intron variant.
Genome position (GRCh38, 1-based): chr11:47,584,307, C>T. VCF-style: chr11-47584307-C-T. GRCh37 (hg19) VCF-style: chr11-47605859-C-T.
Identifiers: ClinVar variation 138491 (VCV000138491.22), dbSNP rs11039306, ClinGen allele CA292504.

ClinVar aggregate classification (germline): Conflicting classifications of pathogenicity. Review status: criteria provided, conflicting classifications (1 of 4 stars). 8 submissions from 7 submitters: Uncertain significance (2); Benign (3); Likely benign (2). 1 of the submissions does not count toward it. Last evaluated 2026-01-15.

Conditions:
NDUFS3-related disorder. Also called: NDUFS3-related condition; NDUFS3-Related Disorders.
Mitochondrial complex I deficiency, nuclear type 8. Also called: Mitochondrial complex 1 deficiency, nuclear type 8. Identifiers: MedGen C4748766, MONDO:0032613, OMIM 618230.
Mitochondrial complex I deficiency, nuclear type 1. Also called: NADH-COENZYME Q REDUCTASE DEFICIENCY; MITOCHONDRIAL NADH DEHYDROGENASE COMPONENT OF COMPLEX I, DEFICIENCY OF. Identifiers: MedGen C6022305, MONDO:0100224, OMIM 252010.
Leigh syndrome (NULS). Also called: Leigh Disease; Subacute necrotizing encephalopathy; Necrotizing encephalopathy infantile subacute of Leigh; Leigh Syndrome (mtDNA deletion); Leigh's necrotizing encephalopathy; Leigh's disease. Identifiers: Orphanet 506, MedGen C2931891, MONDO:0009723, OMIM 256000.

Allele frequency attached by ClinVar (database versions not stated): ESP Exome Variant Server 0.00008; gnomAD exomes 0.00009 and 0.00041; gnomAD 0.00032 and 0.00034; ExAC 0.00036; TOPMed 0.00048; 1000 Genomes Project 0.00060; 1000 Genomes Project 30x 0.00062.
gnomAD v4.1: 385 of 1,614,010 alleles (0.024%); highest among the groups gnomAD compares: East Asian, 0.25%; 10 homozygotes.

Submissions (8):

Labcorp Genetics (formerly Invitae), Labcorp
Classification: Benign. Last evaluated: 2026-01-15. Review status: criteria provided, single submitter. Criteria: Invitae Variant Classification Sherloc (09022015). Collection method: clinical testing. Allele origin: germline.

Blueprint Genetics
Classification: Likely benign. Last evaluated: 2024-10-28. Review status: criteria provided, single submitter. Criteria: ACMG Guidelines, 2015. Collection method: clinical testing. Allele origin: germline.

ARUP Laboratories, Molecular Genetics and Genomics, ARUP Laboratories
Classification: Benign for Mitochondrial complex I deficiency, nuclear type 8. Last evaluated: 2022-03-02. Review status: criteria provided, single submitter. Criteria: ARUP Molecular Germline Variant Investigation Process 2021. Collection method: clinical testing. Allele origin: germline.

Illumina Laboratory Services, Illumina
Classification: Uncertain significance for Mitochondrial complex I deficiency, nuclear type 1. Last evaluated: 2018-01-12. Review status: criteria provided, single submitter. Criteria: ICSL Variant Classification Criteria 13 December 2019. Collection method: clinical testing. Allele origin: germline.

Illumina Laboratory Services, Illumina
Classification: Uncertain significance for Leigh syndrome. Last evaluated: 2018-01-12. Review status: criteria provided, single submitter. Criteria: ICSL Variant Classification Criteria 13 December 2019. Collection method: clinical testing. Allele origin: germline.

Eurofins Ntd Llc (ga)
Classification: Likely benign. Last evaluated: 2015-06-24. Review status: criteria provided, single submitter. Criteria: EGL Classification Definitions 2015. Collection method: clinical testing. Allele origin: germline. Observed: 1 variant allele, 1 heterozygote.

GeneDx
Classification: Benign. Last evaluated: 2013-02-19. Review status: criteria provided, single submitter. Criteria: GeneDx Variant Classification (06012015). Collection method: clinical testing. Allele origin: germline. Affected: yes.
Comment: This variant is considered likely benign or benign based on one or more of the following criteria: it is a conservative change, it occurs at a poorly conserved position in the protein, it is predicted to be benign by multiple in silico algorithms, and/or has population frequency not consistent with disease.

PreventionGenetics, part of Exact Sciences
Classification: Likely benign for NDUFS3-related condition. Last evaluated: 2024-05-10. Review status: no assertion criteria provided. Collection method: clinical testing. Allele origin: germline. Not counted in ClinVar's aggregate classification.
Comment: This variant is classified as likely benign based on ACMG/AMP sequence variant interpretation guidelines (Richards et al. 2015 PMID: 25741868, with internal and published modifications).